The following is an entry in ClinVar:

ClinVar aggregate classification (germline): Likely pathogenic (1 of 4 stars; one submission).

Conditions:
Malignant hyperthermia, susceptibility to, 5 (MHS5). Also called: CACNA1S-Related Malignant Hyperthermia Susceptibility. Identifiers: Orphanet 423, MedGen C1866077, MONDO:0011163, OMIM 601887.
Hypokalemic periodic paralysis, type 1. Also called: HypoPP; Hypokalemic Periodic Paralysis Type 1 (AD). Identifiers: Orphanet 681, MedGen C3714580, MONDO:0042979, OMIM 170400.

Allele frequency attached by ClinVar (database versions not stated): gnomAD exomes below 0.00001.
gnomAD v4.1: 1 of 1,612,866 alleles (0.000062%); highest among the groups gnomAD compares: Admixed American, 0.0017%; no homozygotes.

Submission:

Labcorp Genetics (formerly Invitae), Labcorp
Classification: Likely pathogenic for Hypokalemic periodic paralysis, type 1; Malignant hyperthermia, susceptibility to, 5. Last evaluated: 2022-12-07. Review status: criteria provided, single submitter. Criteria: Invitae Variant Classification Sherloc (09022015). Collection method: clinical testing. Allele origin: germline.
Comment: This variant is present in population databases (no rsID available, gnomAD 0.003%). This sequence change affects a donor splice site in intron 13 of the CACNA1S gene. It is expected to disrupt RNA splicing. Variants that disrupt the donor or acceptor splice site typically lead to a loss of protein function (PMID: 16199547), and loss-of-function variants in CACNA1S are known to be pathogenic (PMID: 26247046, 28012042). This variant has not been reported in the literature in individuals affected with CACNA1S-related conditions. Algorithms developed to predict the effect of sequence changes on RNA splicing suggest that this variant may disrupt the consensus splice site. In summary, the currently available evidence indicates that the variant is pathogenic, but additional data are needed to prove that conclusively. Therefore, this variant has been classified as Likely Pathogenic.

Literature cited by the submitters: PubMed 16199547; PubMed 26247046; PubMed 28012042.

NM_000069.3(CACNA1S):c.1948+2T>C

Gene: CACNA1S (calcium voltage-gated channel subunit alpha1 S; minus strand). Cytogenetic location: 1q32.1.
Variant type: single nucleotide variant.
Coding change: c.1948+2T>C on transcript NM_000069.3 (MANE Select); the canonical splice donor site of the intron after coding-DNA position 1948, T replaced by C.
Molecular consequence: splice donor variant.
Genome position (GRCh38, 1-based): chr1:201,075,493, A>G on the plus strand (T>C on the coding strand, the complement: CACNA1S is on the minus strand). VCF-style: chr1-201075493-A-G. GRCh37 (hg19) VCF-style: chr1-201044621-A-G.
Identifiers: ClinVar variation 2941619 (VCV002941619.3), dbSNP rs1185268927, ClinGen allele CA344116443.